The following is an entry in ClinVar:

ClinVar aggregate classification (germline): Uncertain significance (1 of 4 stars; one submission).

Conditions:
Leber congenital amaurosis 12 (LCA12). Identifiers: Orphanet 65, MedGen C1857743, MONDO:0012525, OMIM 610612.

gnomAD v4.1: 3 of 1,614,156 alleles (0.00019%); highest among the groups gnomAD compares: Non-Finnish European, 0.00025%; no homozygotes.

Submission:

Labcorp Genetics (formerly Invitae), Labcorp
Classification: Uncertain significance for Leber congenital amaurosis 12. Last evaluated: 2022-10-05. Review status: criteria provided, single submitter. Criteria: Invitae Variant Classification Sherloc (09022015). Collection method: clinical testing. Allele origin: germline.
Comment: This sequence change replaces glycine, which is neutral and non-polar, with cysteine, which is neutral and slightly polar, at codon 57 of the RD3 protein (p.Gly57Cys). This variant is not present in population databases (gnomAD no frequency). This variant has not been reported in the literature in individuals affected with RD3-related conditions. ClinVar contains an entry for this variant (Variation ID: 1438168). Algorithms developed to predict the effect of missense changes on protein structure and function (SIFT, PolyPhen-2, Align-GVGD) all suggest that this variant is likely to be disruptive. In summary, the available evidence is currently insufficient to determine the role of this variant in disease. Therefore, it has been classified as a Variant of Uncertain Significance.

NM_001164688.2(RD3):c.169G>T (p.Gly57Cys)

Gene: RD3 (RD3 regulator of GUCY2D; minus strand). Cytogenetic location: 1q32.3.
Variant type: single nucleotide variant.
Coding change: c.169G>T on transcript NM_001164688.2 (MANE Select); coding-DNA position 169, G replaced by T.
Protein change: p.Gly57Cys; replaces glycine 57 with cysteine.
Molecular consequence: missense variant.
Genome position (GRCh38, 1-based): chr1:211,481,247, C>A on the plus strand (G>T on the coding strand, the complement: RD3 is on the minus strand). VCF-style: chr1-211481247-C-A. GRCh37 (hg19) VCF-style: chr1-211654589-C-A.
Other names: c.169G>T, p.Gly57Cys (NM_183059.3); short protein forms G57C.
Identifiers: ClinVar variation 1438168 (VCV001438168.5), dbSNP rs750239049, ClinGen allele CA344879414.
Genomic context (GRCh38, chr1:211,481,247, plus strand): 5'-CAATGGGGCTGAGGTCATAGGTGGACCGGGGTGTGCTGGCCAGCCAGCTGTAGTCCACAC[C>A]GGTGCAGACCTTTCTGACCGCATTGCTGCGCTCCCGCTGCTGCCTCTCAGCCTCTCGCAT-3'
Protein context (NP_001158160.1, residues 47-67): RSNAVRKVCT[Gly57Cys]VDYSWLASTP